The following is an entry in ClinVar:

NM_016219.5(MAN1B1):c.635T>G (p.Val212Gly)

Gene: MAN1B1 (mannosidase alpha class 1B member 1; plus strand). Cytogenetic location: 9q34.3.
Variant type: single nucleotide variant.
Coding change: c.635T>G on transcript NM_016219.5 (MANE Select); coding-DNA position 635, T replaced by G.
Protein change: p.Val212Gly; replaces valine 212 with glycine.
Molecular consequence: missense variant. On other transcripts: non-coding transcript variant (2).
Genome position (GRCh38, 1-based): chr9:137,097,842, T>G. VCF-style: chr9-137097842-T-G. GRCh37 (hg19) VCF-style: chr9-139992294-T-G.
Other names: short protein forms V212G.
Identifiers: ClinVar variation 211430 (VCV000211430.66), dbSNP rs186504463, ClinGen allele CA205843.

ClinVar aggregate classification (germline): Conflicting classifications of pathogenicity. Review status: criteria provided, conflicting classifications (1 of 4 stars). 8 submissions from 8 submitters: Uncertain significance (4); Benign (1); Likely benign (2). 1 of the submissions does not count toward it. Last evaluated 2026-01-19.

Conditions:
MAN1B1-related disorder. Also called: MAN1B1-related condition; MAN1B1-related disorders.
Rafiq syndrome (RAFQS). Identifiers: Orphanet 88616, MedGen C3280127, MONDO:0013624, OMIM 614202.
Inborn genetic diseases. Identifiers: MedGen C0950123, MeSH D030342.

Allele frequency attached by ClinVar (database versions not stated): ESP Exome Variant Server 0.00102; gnomAD 0.00134 and 0.00141; TOPMed 0.00144; gnomAD exomes 0.00172; 1000 Genomes Project 30x 0.00187; ExAC 0.00196; 1000 Genomes Project 0.00240.
gnomAD v4.1: 3,628 of 1,554,764 alleles (0.23%); highest among the groups gnomAD compares: Non-Finnish European, 0.27%; 9 homozygotes.

Submissions (8):

Labcorp Genetics (formerly Invitae), Labcorp
Classification: Benign for Rafiq syndrome. Last evaluated: 2026-01-19. Review status: criteria provided, single submitter. Criteria: Invitae Variant Classification Sherloc (09022015). Collection method: clinical testing. Allele origin: germline.

CeGaT Center for Human Genetics Tuebingen
Classification: Likely benign. Last evaluated: 2024-08-01. Review status: criteria provided, single submitter. Criteria: CeGaT Center For Human Genetics Tuebingen Variant Classification Criteria Version 2. Collection method: clinical testing. Allele origin: germline. Affected: yes. Observed: 4 variant alleles.
Comment: MAN1B1: BP4, BS2

Revvity Omics, Revvity
Classification: Uncertain significance for Rafiq syndrome. Last evaluated: 2023-10-27. Review status: criteria provided, single submitter. Criteria: ACMG Guidelines, 2015. Collection method: clinical testing. Allele origin: germline.

GeneDx
Classification: Uncertain significance. Last evaluated: 2023-08-11. Review status: criteria provided, single submitter. Criteria: GeneDx Variant Classification Process June 2021. Collection method: clinical testing. Allele origin: germline. Affected: yes.
Comment: Has not been previously published as pathogenic or benign to our knowledge; In silico analysis supports that this missense variant has a deleterious effect on protein structure/function

Ambry Genetics
Classification: Uncertain significance for Inborn genetic diseases. Last evaluated: 2018-07-25. Review status: criteria provided, single submitter. Criteria: Ambry Variant Classification Scheme 2023. Collection method: clinical testing. Allele origin: germline.
Comment: The p.V212G variant (also known as c.635T>G), located in coding exon 5 of the MAN1B1 gene, results from a T to G substitution at nucleotide position 635. The valine at codon 212 is replaced by glycine, an amino acid with dissimilar properties. This amino acid position is not well conserved in available vertebrate species. In addition, the in silico prediction for this alteration is inconclusive. Since supporting evidence is limited at this time, the clinical significance of this variant remains unclear.

Illumina Laboratory Services, Illumina
Classification: Uncertain significance for Rafiq syndrome. Last evaluated: 2018-01-13. Review status: criteria provided, single submitter. Criteria: ICSL Variant Classification Criteria 13 December 2019. Collection method: clinical testing. Allele origin: germline.

Genetic Services Laboratory, University of Chicago
Classification: Likely benign. Last evaluated: 2015-07-24. Review status: criteria provided, single submitter. Criteria: ACMG Guidelines, 2015. Collection method: clinical testing. Allele origin: germline.

PreventionGenetics, part of Exact Sciences
Classification: Likely benign for MAN1B1-related condition. Last evaluated: 2021-01-04. Review status: no assertion criteria provided. Collection method: clinical testing. Allele origin: germline. Not counted in ClinVar's aggregate classification.
Comment: This variant is classified as likely benign based on ACMG/AMP sequence variant interpretation guidelines (Richards et al. 2015 PMID: 25741868, with internal and published modifications).